The following is an entry in ClinVar:

NM_000094.4(COL7A1):c.520+1G>T

Gene: COL7A1 (collagen type VII alpha 1 chain; minus strand). Cytogenetic location: 3p21.31.
Variant type: single nucleotide variant.
Coding change: c.520+1G>T on transcript NM_000094.4 (MANE Select); the canonical splice donor site of the intron after coding-DNA position 520, G replaced by T.
Molecular consequence: splice donor variant.
Genome position (GRCh38, 1-based): chr3:48,593,355, C>A on the plus strand (G>T on the coding strand, the complement: COL7A1 is on the minus strand). VCF-style: chr3-48593355-C-A. GRCh37 (hg19) VCF-style: chr3-48630788-C-A.
Other names: c.520+1G>T (NM_000094.3).
Identifiers: ClinVar variation 1492276 (VCV001492276.10), dbSNP rs2107799999, ClinGen allele CA352746212.

ClinVar aggregate classification (germline): Pathogenic/Likely pathogenic. Review status: criteria provided, multiple submitters, no conflicts (2 of 4 stars). 2 submissions from 2 submitters: Pathogenic (1); Likely pathogenic (1). Last evaluated 2025-10-14.

Conditions:
Epidermolysis bullosa dystrophica. Also called: Dystrophic epidermolysis bullosa, Hallopeau-Siemens type (formerly); Dystrophic epidermolysis bullosa. Identifiers: Orphanet 303, MedGen C0079294, MONDO:0006543.

Submissions (3):

Natera, Inc.
Classification: Pathogenic for Dystrophic epidermolysis bullosa. Last evaluated: 2025-10-14. Review status: criteria provided, single submitter. Criteria: Natera Variant Classification Schema (03/2026). Collection method: clinical testing. Allele origin: germline.
Comment: The c.520+1G>T variant in COL7A1 is a canonical splice donor site variant predicted to affect pre-mRNA splicing, which may result in an abnormal transcript and altered protein product. This variant is expected to result in nonsense mediated decay, truncation, or a dysfunctional protein product. This variant is rare in the general population with a frequency below the threshold expected for the associated phenotype(s). Another variant at this same site results in an alteration predicted to cause a similar molecular effect has been observed in individual(s) with the associated phenotype. Given the available evidence, this variant is classified as Pathogenic.

Labcorp Genetics (formerly Invitae), Labcorp
Classification: Likely pathogenic. Last evaluated: 2021-01-29. Review status: criteria provided, single submitter. Criteria: Invitae Variant Classification Sherloc (09022015). Collection method: clinical testing. Allele origin: germline.
Comment: This variant has not been reported in the literature in individuals with COL7A1-related conditions. In summary, the currently available evidence indicates that the variant is pathogenic, but additional data are needed to prove that conclusively. Therefore, this variant has been classified as Likely Pathogenic. Algorithms developed to predict the effect of sequence changes on RNA splicing suggest that this variant may disrupt the consensus splice site, but this prediction has not been confirmed by published transcriptional studies. This variant is not present in population databases (ExAC no frequency). This sequence change affects a donor splice site in intron 4 of the COL7A1 gene. It is expected to disrupt RNA splicing. Variants that disrupt the donor or acceptor splice site typically lead to a loss of protein function (PMID: 16199547), and loss-of-function variants in COL7A1 are known to be pathogenic (PMID: 16971478).

Dr. Peter K. Rogan Lab, Western University
No classification provided (evidence only). Condition: Thyroid cancer, nonmedullary, 1. Review status: no classification provided. Collection method: in vitro. Allele origin: not applicable. Functional consequence: retained intron. Not counted in ClinVar's aggregate classification.

Literature cited by the submitters: PubMed 16199547 (cited by Labcorp Genetics (formerly Invitae), Labcorp); PubMed 16971478 (cited by Labcorp Genetics (formerly Invitae), Labcorp).